The following is an entry in ClinVar:

ClinVar aggregate classification (germline): Uncertain significance. Review status: criteria provided, multiple submitters, no conflicts (2 of 4 stars). 3 submissions from 3 submitters: Uncertain significance (3). Last evaluated 2022-08-19.

Allele frequency attached by ClinVar (database versions not stated): gnomAD exomes 0.00003; ExAC 0.00004; 1000 Genomes Project 30x 0.00016; gnomAD 0.00034 and 0.00036; TOPMed 0.00041; ESP Exome Variant Server 0.00047.
gnomAD v4.1: 104 of 1,605,108 alleles (0.0065%); highest among the groups gnomAD compares: African/African-American, 0.13%; no homozygotes.

Submissions (3):

Labcorp Genetics (formerly Invitae), Labcorp
Classification: Uncertain significance. Last evaluated: 2022-08-19. Review status: criteria provided, single submitter. Criteria: Invitae Variant Classification Sherloc (09022015). Collection method: clinical testing. Allele origin: germline.
Comment: This sequence change replaces arginine, which is basic and polar, with cysteine, which is neutral and slightly polar, at codon 137 of the CFD protein (p.Arg137Cys). The frequency data for this variant in the population databases is considered unreliable, as metrics indicate poor data quality at this position in the gnomAD database. This variant has not been reported in the literature in individuals affected with CFD-related conditions. ClinVar contains an entry for this variant (Variation ID: 1036571). Algorithms developed to predict the effect of missense changes on protein structure and function are either unavailable or do not agree on the potential impact of this missense change (SIFT: "Not Available"; PolyPhen-2: "Possibly Damaging"; Align-GVGD: "Not Available"). In summary, the available evidence is currently insufficient to determine the role of this variant in disease. Therefore, it has been classified as a Variant of Uncertain Significance.

Ambry Genetics
Classification: Uncertain significance. Last evaluated: 2021-10-22. Review status: criteria provided, single submitter. Criteria: Ambry Variant Classification Scheme 2023. Collection method: clinical testing. Allele origin: germline.

Mayo Clinic Laboratories, Mayo Clinic
Classification: Uncertain significance. Last evaluated: 2020-07-02. Review status: criteria provided, single submitter. Criteria: ACMG Guidelines, 2015. Collection method: clinical testing. Allele origin: germline. Observed: 1 variant allele.

NM_001928.4(CFD):c.409C>T (p.Arg137Cys)

Gene: CFD (complement factor D; plus strand). Cytogenetic location: 19p13.3.
Variant type: single nucleotide variant.
Coding change: c.409C>T on transcript NM_001928.4 (MANE Select); coding-DNA position 409, C replaced by T.
Protein change: p.Arg137Cys; replaces arginine 137 with cysteine.
Molecular consequence: missense variant.
Genome position (GRCh38, 1-based): chr19:861,750, C>T. VCF-style: chr19-861750-C-T. GRCh37 (hg19) VCF-style: chr19-861750-C-T.
Other names: c.430C>T, p.Arg144Cys (NM_001317335.2); c.409C>T (NM_001928.2); short protein forms R137C, R144C.
Identifiers: ClinVar variation 1036571 (VCV001036571.11), dbSNP rs139666945, ClinGen allele CA9026355.